The following is an entry in ClinVar:

ClinVar aggregate classification (germline): Uncertain significance (1 of 4 stars; one submission).

Conditions:
Cardiovascular phenotype. Identifiers: MedGen CN230736.

gnomAD v4.1: 2 of 1,614,038 alleles (0.00012%); highest among the groups gnomAD compares: Non-Finnish European, 0.00017%; no homozygotes.

Submission:

Ambry Genetics
Classification: Uncertain significance for Cardiovascular phenotype. Last evaluated: 2022-04-21. Review status: criteria provided, single submitter. Criteria: Ambry Variant Classification Scheme 2023. Collection method: clinical testing. Allele origin: germline.
Comment: The p.R185I variant (also known as c.554G>T), located in coding exon 4 of the SCN2B gene, results from a G to T substitution at nucleotide position 554. The arginine at codon 185 is replaced by isoleucine, an amino acid with similar properties. This amino acid position is conserved. In addition, this alteration is predicted to be deleterious by in silico analysis. Since supporting evidence is limited at this time, the clinical significance of this alteration remains unclear.

NM_004588.5(SCN2B):c.554G>T (p.Arg185Ile)

Gene: SCN2B (sodium voltage-gated channel beta subunit 2; minus strand). Cytogenetic location: 11q23.3.
Variant type: single nucleotide variant.
Coding change: c.554G>T on transcript NM_004588.5 (MANE Select); coding-DNA position 554, G replaced by T.
Protein change: p.Arg185Ile; replaces arginine 185 with isoleucine.
Molecular consequence: missense variant.
Genome position (GRCh38, 1-based): chr11:118,166,981, C>A on the plus strand (G>T on the coding strand, the complement: SCN2B is on the minus strand). VCF-style: chr11-118166981-C-A. GRCh37 (hg19) VCF-style: chr11-118037696-C-A.
Other names: short protein forms R185I.
Identifiers: ClinVar variation 1748238 (VCV001748238.2), dbSNP rs759084475, ClinGen allele CA382783623.